The following is an entry in ClinVar:

ClinVar aggregate classification (germline): Uncertain significance. Review status: criteria provided, multiple submitters, no conflicts (2 of 4 stars). 2 submissions from 2 submitters: Uncertain significance (2). Last evaluated 2024-09-05.

Allele frequency attached by ClinVar (database versions not stated): gnomAD exomes below 0.00001; TOPMed 0.00001.

Submissions (2):

Blueprint Genetics
Classification: Uncertain significance. Last evaluated: 2024-09-05. Review status: criteria provided, single submitter. Criteria: ACMG Guidelines, 2015. Collection method: clinical testing. Allele origin: germline.

Labcorp Genetics (formerly Invitae), Labcorp
Classification: Uncertain significance. Last evaluated: 2022-01-16. Review status: criteria provided, single submitter. Criteria: Invitae Variant Classification Sherloc (09022015). Collection method: clinical testing. Allele origin: germline.
Comment: In summary, the available evidence is currently insufficient to determine the role of this variant in disease. Therefore, it has been classified as a Variant of Uncertain Significance. Algorithms developed to predict the effect of missense changes on protein structure and function output the following: SIFT: "Tolerated"; PolyPhen-2: "Possibly Damaging"; Align-GVGD: "Class C0". The serine amino acid residue is found in multiple mammalian species, which suggests that this missense change does not adversely affect protein function. This variant has not been reported in the literature in individuals affected with PROM1-related conditions. This variant is not present in population databases (gnomAD no frequency). This sequence change replaces alanine, which is neutral and non-polar, with serine, which is neutral and polar, at codon 801 of the PROM1 protein (p.Ala801Ser).

NM_006017.3(PROM1):c.2401G>T (p.Ala801Ser)

Gene: PROM1 (prominin 1; minus strand). Cytogenetic location: 4p15.32.
Variant type: single nucleotide variant.
Coding change: c.2401G>T on transcript NM_006017.3 (MANE Select); coding-DNA position 2401, G replaced by T.
Protein change: p.Ala801Ser; replaces alanine 801 with serine.
Molecular consequence: missense variant.
Genome position (GRCh38, 1-based): chr4:15,980,510, C>A on the plus strand (G>T on the coding strand, the complement: PROM1 is on the minus strand). VCF-style: chr4-15980510-C-A. GRCh37 (hg19) VCF-style: chr4-15982133-C-A.
Other names: c.2374G>T, p.Ala792Ser (NM_001145847.2, NM_001145848.2, NM_001145851.2 and 4 more transcripts); c.2401G>T, p.Ala801Ser (NM_001145849.2, NM_001145850.2); short protein forms A792S, A801S.
Identifiers: ClinVar variation 1986938 (VCV001986938.5), dbSNP rs1461675875, ClinGen allele CA356426782.